The following is an entry in ClinVar:

ClinVar aggregate classification (germline): Uncertain significance (1 of 4 stars; one submission).

Allele frequency attached by ClinVar (database versions not stated): gnomAD 0.00001; ExAC 0.00002; TOPMed 0.00002; gnomAD exomes 0.00003.
gnomAD v4.1: 49 of 1,610,374 alleles (0.003%); highest among the groups gnomAD compares: Non-Finnish European, 0.004%; no homozygotes.

Submission:

Labcorp Genetics (formerly Invitae), Labcorp
Classification: Uncertain significance. Last evaluated: 2023-03-30. Review status: criteria provided, single submitter. Criteria: Invitae Variant Classification Sherloc (09022015). Collection method: clinical testing. Allele origin: germline.
Comment: In summary, the available evidence is currently insufficient to determine the role of this variant in disease. Therefore, it has been classified as a Variant of Uncertain Significance. Algorithms developed to predict the effect of sequence changes on RNA splicing suggest that this variant may disrupt the consensus splice site. This variant has not been reported in the literature in individuals affected with CACNA1G-related conditions. This variant is present in population databases (rs756544306, gnomAD 0.003%). This sequence change affects codon 1943 of the CACNA1G mRNA. It is a 'silent' change, meaning that it does not change the encoded amino acid sequence of the CACNA1G protein.

NM_018896.5(CACNA1G):c.5829G>A (p.Leu1943=)

Gene: CACNA1G (calcium voltage-gated channel subunit alpha1 G; plus strand). Cytogenetic location: 17q21.33.
Variant type: single nucleotide variant.
Coding change: c.5829G>A on transcript NM_018896.5 (MANE Select); coding-DNA position 5829, G replaced by A.
Protein change: p.Leu1943=; no amino-acid change (leucine 1943 retained).
Molecular consequence: synonymous variant. On other transcripts: intron variant (20).
Genome position (GRCh38, 1-based): chr17:50,619,730, G>A. VCF-style: chr17-50619730-G-A. GRCh37 (hg19) VCF-style: chr17-48697091-G-A.
Other names: c.5775G>A, p.Leu1925= (NM_001256324.2); c.5694G>A, p.Leu1898= (NM_001256326.2); c.5796G>A, p.Leu1932= (NM_198377.3, NM_198380.3); c.5727G>A, p.Leu1909= (NM_198379.3, NM_198396.3); c.5829G>A, p.Leu1943= (NM_198385.3); c.5802+722G>A (NM_001256325.2); c.5748+722G>A (NM_198378.3, NM_001256334.2); c.5781+722G>A (NM_198384.3, NM_001256333.2); and 12 more.
Identifiers: ClinVar variation 2732270 (VCV002732270.3), dbSNP rs756544306, ClinGen allele CA8653491.